The following is an entry in ClinVar:

ClinVar aggregate classification (germline): Likely pathogenic (1 of 4 stars; one submission).

Conditions:
Combined immunodeficiency due to STK4 deficiency (IMD110). Also called: STK4 DEFICIENCY; MST1 DEFICIENCY; T-cell immunodeficiency, recurrent infections, and autoimmunity with or without cardiac malformations. Identifiers: Orphanet 314689, MedGen C3553943, MONDO:0013934, OMIM 614868.

Submission:

Labcorp Genetics (formerly Invitae), Labcorp
Classification: Likely pathogenic for Combined immunodeficiency due to STK4 deficiency. Last evaluated: 2021-12-21. Review status: criteria provided, single submitter. Criteria: Invitae Variant Classification Sherloc (09022015). Collection method: clinical testing. Allele origin: germline.
Comment: This variant is not present in population databases (gnomAD no frequency). In summary, the currently available evidence indicates that the variant is pathogenic, but additional data are needed to prove that conclusively. Therefore, this variant has been classified as Likely Pathogenic. Algorithms developed to predict the effect of sequence changes on RNA splicing suggest that this variant may disrupt the consensus splice site. This variant has not been reported in the literature in individuals affected with STK4-related conditions. This sequence change affects an acceptor splice site in intron 8 of the STK4 gene. It is expected to disrupt RNA splicing. Variants that disrupt the donor or acceptor splice site typically lead to a loss of protein function (PMID: 16199547), and loss-of-function variants in STK4 are known to be pathogenic (PMID: 22174160).

Literature cited by the submitters: PubMed 16199547; PubMed 22174160.

NM_006282.5(STK4):c.961-2A>G

Gene: STK4 (serine/threonine kinase 4; plus strand). Cytogenetic location: 20q13.12.
Variant type: single nucleotide variant.
Coding change: c.961-2A>G on transcript NM_006282.5 (MANE Select); the canonical splice acceptor site of the intron before coding-DNA position 961, A replaced by G.
Molecular consequence: splice acceptor variant.
Genome position (GRCh38, 1-based): chr20:45,001,165, A>G. VCF-style: chr20-45001165-A-G. GRCh37 (hg19) VCF-style: chr20-43629806-A-G.
Other names: c.961-2A>G (NM_001352385.2).
Identifiers: ClinVar variation 2050900 (VCV002050900.4), dbSNP rs2515640727, ClinGen allele CA409126443.
Genomic context (GRCh38, chr20:45,001,165, plus strand): 5'-ATTCAGAAAACTCAAAGTCTTTTGTCAAATTAGCCCCAATTTGAGATTGTATCCTTTTAC[A>G]GGAAGAGGATGAAATGGATTCTGGCACGATGGTTCGAGCAGTGGGTGATGAGATGGGCAC-3'